The following is an entry in ClinVar:

ClinVar aggregate classification (germline): Likely benign. Review status: criteria provided, multiple submitters, no conflicts (2 of 4 stars). 2 submissions from 2 submitters: Likely benign (2). Last evaluated 2025-04-28.

Conditions:
Developmental and epileptic encephalopathy 94 (DEE94). Also called: Epileptic encephalopathy, childhood-onset; CHD2-Related Neurodevelopmental Disorders. Identifiers: Orphanet 1942, Orphanet 2382, MedGen C3809278, MONDO:0014150, OMIM 615369.

Allele frequency attached by ClinVar (database versions not stated): gnomAD 0.00002; ExAC 0.00004; TOPMed 0.00004; gnomAD exomes 0.00005.
gnomAD v4.1: 19 of 1,608,432 alleles (0.0012%); highest among the groups gnomAD compares: Admixed American, 0.027%; no homozygotes.

Submissions (2):

Labcorp Genetics (formerly Invitae), Labcorp
Classification: Likely benign for Developmental and epileptic encephalopathy 94. Last evaluated: 2025-04-28. Review status: criteria provided, single submitter. Criteria: Invitae Variant Classification Sherloc (09022015). Collection method: clinical testing. Allele origin: germline.

GeneDx
Classification: Likely benign. Last evaluated: 2018-05-18. Review status: criteria provided, single submitter. Criteria: GeneDx Variant Classification (06012015). Collection method: clinical testing. Allele origin: germline. Affected: yes.
Comment: This variant is considered likely benign or benign based on one or more of the following criteria: it is a conservative change, it occurs at a poorly conserved position in the protein, it is predicted to be benign by multiple in silico algorithms, and/or has population frequency not consistent with disease.

NM_001271.4(CHD2):c.4693-19G>A

Gene: CHD2 (chromodomain helicase DNA binding protein 2; plus strand). Cytogenetic location: 15q26.1.
Variant type: single nucleotide variant.
Coding change: c.4693-19G>A on transcript NM_001271.4 (MANE Select); 19 bases into the intron before coding-DNA position 4693, G replaced by A.
Molecular consequence: intron variant.
Genome position (GRCh38, 1-based): chr15:93,014,677, G>A. VCF-style: chr15-93014677-G-A. GRCh37 (hg19) VCF-style: chr15-93557907-G-A.
Identifiers: ClinVar variation 668462 (VCV000668462.9), dbSNP rs764154165, ClinGen allele CA7748536.